The following is an entry in ClinVar:

NM_201525.4(ADGRG1):c.1931A>G (p.Gln644Arg)

Gene: ADGRG1 (adhesion G protein-coupled receptor G1; plus strand). Cytogenetic location: 16q21.
Variant type: single nucleotide variant.
Coding change: c.1931A>G on transcript NM_201525.4 (MANE Select); coding-DNA position 1931, A replaced by G.
Protein change: p.Gln644Arg; replaces glutamine 644 with arginine.
Molecular consequence: missense variant.
Genome position (GRCh38, 1-based): chr16:57,661,963, A>G. VCF-style: chr16-57661963-A-G. GRCh37 (hg19) VCF-style: chr16-57695875-A-G.
Other names: c.1931A>G, p.Gln644Arg (NM_001145770.3, NM_001145772.3, NM_001145774.3 and 7 more transcripts); c.1949A>G, p.Gln650Arg (NM_001145771.3, NM_001370428.1, NM_001370429.1 and 4 more transcripts); c.1946A>G, p.Gln649Arg (NM_001145773.3, NM_001370433.1, NM_001370434.1); c.1439A>G, p.Gln480Arg (NM_001290142.2); c.1424A>G, p.Gln475Arg (NM_001290143.2); c.1406A>G, p.Gln469Arg (NM_001290144.2, NM_001370451.1, NM_001370453.1 and 1 more transcripts); c.1928A>G, p.Gln643Arg (NM_001370441.1); c.1775A>G, p.Gln592Arg (NM_001370442.1); short protein forms Q649R, Q480R, Q643R, Q592R, Q650R, Q469R, Q475R, Q644R.
Identifiers: ClinVar variation 2188445 (VCV002188445.1), dbSNP rs1412045393, ClinGen allele CA396054380.

ClinVar aggregate classification (germline): Uncertain significance (1 of 4 stars; one submission).

Allele frequency attached by ClinVar (database versions not stated): gnomAD exomes below 0.00001; TOPMed 0.00001; gnomAD 0.00003.
gnomAD v4.1: 8 of 1,610,848 alleles (0.0005%); highest among the groups gnomAD compares: Admixed American, 0.012%; no homozygotes.

Submission:

Labcorp Genetics (formerly Invitae), Labcorp
Classification: Uncertain significance. Last evaluated: 2022-08-16. Review status: criteria provided, single submitter. Criteria: Invitae Variant Classification Sherloc (09022015). Collection method: clinical testing. Allele origin: germline.
Comment: This sequence change replaces glutamine, which is neutral and polar, with arginine, which is basic and polar, at codon 650 of the ADGRG1 protein (p.Gln650Arg). This variant is present in population databases (no rsID available, gnomAD 0.009%). This variant has not been reported in the literature in individuals affected with ADGRG1-related conditions. Algorithms developed to predict the effect of missense changes on protein structure and function are either unavailable or do not agree on the potential impact of this missense change (SIFT: "Tolerated"; PolyPhen-2: "Probably Damaging"; Align-GVGD: "Class C0"). In summary, the available evidence is currently insufficient to determine the role of this variant in disease. Therefore, it has been classified as a Variant of Uncertain Significance.